The following is an entry in ClinVar:

ClinVar aggregate classification (germline): Uncertain significance. Review status: criteria provided, multiple submitters, no conflicts (2 of 4 stars). 2 submissions from 2 submitters: Uncertain significance (2). Last evaluated 2024-05-28.

Conditions:
Duchenne muscular dystrophy (DMD). Also called: Duchenne Muscular Dystrophy (DMD); MUSCULAR DYSTROPHY, PSEUDOHYPERTROPHIC PROGRESSIVE, DUCHENNE TYPE. Identifiers: Orphanet 98896, MedGen C0013264, MONDO:0010679, OMIM 310200.

Allele frequency attached by ClinVar (database versions not stated): gnomAD exomes below 0.00001 and 0.00001; ExAC 0.00001; gnomAD 0.00001.
gnomAD v4.1: 2 of 1,206,585 alleles (0.00017%); highest among the groups gnomAD compares: Non-Finnish European, 0.00011%; no homozygotes.

Submissions (2):

Blueprint Genetics
Classification: Uncertain significance. Last evaluated: 2024-05-28. Review status: criteria provided, single submitter. Criteria: ACMG Guidelines, 2015. Collection method: clinical testing. Allele origin: germline.

Labcorp Genetics (formerly Invitae), Labcorp
Classification: Uncertain significance for Duchenne muscular dystrophy. Last evaluated: 2021-08-24. Review status: criteria provided, single submitter. Criteria: Invitae Variant Classification Sherloc (09022015). Collection method: clinical testing. Allele origin: germline.
Comment: This sequence change replaces arginine with cysteine at codon 1574 of the DMD protein (p.Arg1574Cys). The arginine residue is highly conserved and there is a large physicochemical difference between arginine and cysteine. This variant is present in population databases (rs781465089, ExAC 0.02%). This variant has not been reported in the literature in individuals affected with DMD-related conditions. Algorithms developed to predict the effect of missense changes on protein structure and function (SIFT, PolyPhen-2, Align-GVGD) all suggest that this variant is likely to be disruptive. In summary, the available evidence is currently insufficient to determine the role of this variant in disease. Therefore, it has been classified as a Variant of Uncertain Significance.

NM_004006.3(DMD):c.4720C>T (p.Arg1574Cys)

Gene: DMD (dystrophin; minus strand). Cytogenetic location: Xp21.1.
Variant type: single nucleotide variant.
Coding change: c.4720C>T on transcript NM_004006.3 (MANE Select); coding-DNA position 4720, C replaced by T.
Protein change: p.Arg1574Cys; replaces arginine 1574 with cysteine.
Molecular consequence: missense variant.
Genome position (GRCh38, 1-based): chrX:32,380,635, G>A on the plus strand (C>T on the coding strand, the complement: DMD is on the minus strand). VCF-style: chrX-32380635-G-A. GRCh37 (hg19) VCF-style: chrX-32398752-G-A.
Other names: c.4696C>T, p.Arg1566Cys (NM_000109.4); c.4708C>T, p.Arg1570Cys (NM_004009.3); c.4351C>T, p.Arg1451Cys (NM_004010.3); c.697C>T, p.Arg233Cys (NM_004011.4); c.688C>T, p.Arg230Cys (NM_004012.4); short protein forms R1566C, R1574C, R1570C, R230C, R1451C, R233C.
Identifiers: ClinVar variation 1381983 (VCV001381983.6), dbSNP rs781465089, ClinGen allele CA10378880.